The following is an entry in ClinVar:

ClinVar aggregate classification (germline): Uncertain significance (1 of 4 stars; one submission).

Submission:

Labcorp Genetics (formerly Invitae), Labcorp
Classification: Uncertain significance. Last evaluated: 2025-08-02. Review status: criteria provided, single submitter. Criteria: Invitae Variant Classification Sherloc (09022015). Collection method: clinical testing. Allele origin: germline.
Comment: This sequence change replaces valine, which is neutral and non-polar, with leucine, which is neutral and non-polar, at codon 29 of the KIF2A protein (p.Val29Leu). This variant is not present in population databases (gnomAD no frequency). This variant has not been reported in the literature in individuals affected with KIF2A-related conditions. An algorithm developed to predict the effect of missense changes on protein structure and function (PolyPhen-2) suggests that this variant is likely to be disruptive. In summary, the available evidence is currently insufficient to determine the role of this variant in disease. Therefore, it has been classified as a Variant of Uncertain Significance.

NM_001098511.3(KIF2A):c.85G>C (p.Val29Leu)

Gene: KIF2A (kinesin family member 2A; plus strand). Cytogenetic location: 5q12.1.
Variant type: single nucleotide variant.
Coding change: c.85G>C on transcript NM_001098511.3 (MANE Select); coding-DNA position 85, G replaced by C.
Protein change: p.Val29Leu; replaces valine 29 with leucine.
Molecular consequence: missense variant.
Genome position (GRCh38, 1-based): chr5:62,347,150, G>C. VCF-style: chr5-62347150-G-C. GRCh37 (hg19) VCF-style: chr5-61642977-G-C.
Other names: c.4G>C, p.Val2Leu (NM_001243952.2); c.85G>C, p.Val29Leu (NM_001243953.2, NM_004520.5); short protein forms V29L, V2L.
Identifiers: ClinVar variation 4803404 (VCV004803404.1).